The following is an entry in ClinVar:

NM_000245.4(MET):c.2245C>G (p.Pro749Ala)

Gene: MET (MET proto-oncogene, receptor tyrosine kinase; plus strand). Cytogenetic location: 7q31.2.
Variant type: single nucleotide variant.
Coding change: c.2245C>G on transcript NM_000245.4 (MANE Select); coding-DNA position 2245, C replaced by G.
Protein change: p.Pro749Ala; replaces proline 749 with alanine.
Molecular consequence: missense variant.
Genome position (GRCh38, 1-based): chr7:116,758,601, C>G. VCF-style: chr7-116758601-C-G. GRCh37 (hg19) VCF-style: chr7-116398655-C-G.
Other names: c.2245C>G, p.Pro749Ala (NM_001127500.3, NM_001324401.3); c.955C>G, p.Pro319Ala (NM_001324402.2); short protein forms P749A, P319A.
Identifiers: ClinVar variation 655207 (VCV000655207.10), dbSNP rs1584942863, ClinGen allele CA368980857.

ClinVar aggregate classification (germline): Uncertain significance (1 of 4 stars; one submission).

Conditions:
Renal cell carcinoma. Identifiers: Orphanet 217071, MedGen C0007134, MeSH D002292, MONDO:0005086, HP:0005584.

Submission:

Labcorp Genetics (formerly Invitae), Labcorp
Classification: Uncertain significance for Renal cell carcinoma. Last evaluated: 2021-07-16. Review status: criteria provided, single submitter. Criteria: Invitae Variant Classification Sherloc (09022015). Collection method: clinical testing. Allele origin: germline.
Comment: This sequence change replaces proline with alanine at codon 749 of the MET protein (p.Pro749Ala). The proline residue is highly conserved and there is a small physicochemical difference between proline and alanine. This variant is not present in population databases (ExAC no frequency). This variant has not been reported in the literature in individuals with MET-related disease. Algorithms developed to predict the effect of missense changes on protein structure and function are either unavailable or do not agree on the potential impact of this missense change (SIFT: "Deleterious"; PolyPhen-2: "Probably Damaging"; Align-GVGD: "Class C0"). In summary, the available evidence is currently insufficient to determine the role of this variant in disease. Therefore, it has been classified as a Variant of Uncertain Significance.